The following is an entry in ClinVar:

ClinVar aggregate classification (germline): Pathogenic (1 of 4 stars; one submission).

Conditions:
Galactosylceramide beta-galactosidase deficiency. Also called: Leukodystrophy, Globoid Cell; GALACTOCEREBROSIDASE DEFICIENCY; GALC DEFICIENCY; GLOBOID CELL LEUKOENCEPHALOPATHY; Krabbe Disease. Identifiers: Orphanet 487, MedGen C0023521, MONDO:0009499, OMIM 245200.

Allele frequency attached by ClinVar (database versions not stated): gnomAD exomes below 0.00001; ExAC 0.00001; TOPMed 0.00002.
gnomAD v4.1: 4 of 1,541,728 alleles (0.00026%); highest among the groups gnomAD compares: Admixed American, 0.0067%; no homozygotes.

Submission:

Labcorp Genetics (formerly Invitae), Labcorp
Classification: Pathogenic for Galactosylceramide beta-galactosidase deficiency. Last evaluated: 2024-09-19. Review status: criteria provided, single submitter. Criteria: Invitae Variant Classification Sherloc (09022015). Collection method: clinical testing. Allele origin: germline.
Comment: This sequence change falls in intron 11 of the GALC gene. It does not directly change the encoded amino acid sequence of the GALC protein. It affects a nucleotide within the consensus splice site. This variant is present in population databases (rs755870379, gnomAD 0.01%). This variant has been observed in individual(s) with Krabbe disease (internal data). In at least one individual the data is consistent with being in trans (on the opposite chromosome) from a pathogenic variant. It has also been observed to segregate with disease in related individuals. ClinVar contains an entry for this variant (Variation ID: 2194917). Variants that disrupt the consensus splice site are a relatively common cause of aberrant splicing (PMID: 17576681, 9536098). Algorithms developed to predict the effect of sequence changes on RNA splicing suggest that this variant may disrupt the consensus splice site. For these reasons, this variant has been classified as Pathogenic.

Literature cited by the submitters: PubMed 17576681; PubMed 9536098.

NM_000153.4(GALC):c.1251+5G>C

Gene: GALC (galactosylceramidase; minus strand). Cytogenetic location: 14q31.3.
Variant type: single nucleotide variant.
Coding change: c.1251+5G>C on transcript NM_000153.4 (MANE Select); 5 bases into the intron after coding-DNA position 1251, G replaced by C.
Molecular consequence: intron variant.
Genome position (GRCh38, 1-based): chr14:87,950,654, C>G on the plus strand (G>C on the coding strand, the complement: GALC is on the minus strand). VCF-style: chr14-87950654-C-G. GRCh37 (hg19) VCF-style: chr14-88416998-C-G.
Other names: c.1173+5G>C (NM_001201402.2); c.1182+5G>C (NM_001201401.2).
Identifiers: ClinVar variation 2194917 (VCV002194917.4), dbSNP rs755870379, ClinGen allele CA7297089.